The following is an entry in ClinVar:

NM_004006.3(DMD):c.3277-302G>A

Gene: DMD (dystrophin; minus strand). Cytogenetic location: Xp21.1.
Variant type: single nucleotide variant.
Coding change: c.3277-302G>A on transcript NM_004006.3 (MANE Select); 302 bases into the intron before coding-DNA position 3277, G replaced by A.
Molecular consequence: intron variant.
Genome position (GRCh38, 1-based): chrX:32,463,896, C>T on the plus strand (G>A on the coding strand, the complement: DMD is on the minus strand). VCF-style: chrX-32463896-C-T. GRCh37 (hg19) VCF-style: chrX-32482013-C-T.
Other names: c.3253-302G>A (NM_000109.4); c.3265-302G>A (NM_004009.3); c.2908-302G>A (NM_004010.3).
Identifiers: ClinVar variation 680694 (VCV000680694.1), dbSNP rs7888825, ClinGen allele CA328002049.

ClinVar aggregate classification (germline): Benign (1 of 4 stars; one submission).

Allele frequency attached by ClinVar (database versions not stated): gnomAD 0.05884 and 0.06296; 1000 Genomes Project 0.06437; 1000 Genomes Project 30x 0.06535; TOPMed 0.06850.
gnomAD v4.1: 6,510 of 111,367 alleles (5.8%); highest among the groups gnomAD compares: African/African-American, 20%; 493 homozygotes.

Submission:

GeneDx
Classification: Benign. Last evaluated: 2018-06-14. Review status: criteria provided, single submitter. Criteria: GeneDx Variant Classification (06012015). Collection method: clinical testing. Allele origin: germline. Affected: yes.
Comment: This variant is considered likely benign or benign based on one or more of the following criteria: it is a conservative change, it occurs at a poorly conserved position in the protein, it is predicted to be benign by multiple in silico algorithms, and/or has population frequency not consistent with disease.